The following is an entry in ClinVar:

NM_001160372.4(TRAPPC9):c.2653G>A (p.Glu885Lys)

Gene: TRAPPC9 (trafficking protein particle complex subunit 9; minus strand). Cytogenetic location: 8q24.3.
Variant type: single nucleotide variant.
Coding change: c.2653G>A on transcript NM_001160372.4 (MANE Select); coding-DNA position 2653, G replaced by A.
Protein change: p.Glu885Lys; replaces glutamic acid 885 with lysine.
Molecular consequence: missense variant. On other transcripts: non-coding transcript variant (1).
Genome position (GRCh38, 1-based): chr8:140,023,983, C>T on the plus strand (G>A on the coding strand, the complement: TRAPPC9 is on the minus strand). VCF-style: chr8-140023983-C-T. GRCh37 (hg19) VCF-style: chr8-141034080-C-T.
Other names: c.2626G>A, p.Glu876Lys (NM_001321646.2); c.2674G>A, p.Glu892Lys (NM_001374682.1); c.2653G>A, p.Glu885Lys (NM_001374683.1, NM_031466.8); c.2509G>A, p.Glu837Lys (NM_001374684.1); short protein forms E885K, E876K, E837K, E892K.
Identifiers: ClinVar variation 362072 (VCV000362072.7), dbSNP rs138928835, ClinGen allele CA4893013.

ClinVar aggregate classification (germline): Uncertain significance. Review status: criteria provided, multiple submitters, no conflicts (2 of 4 stars). 2 submissions from 2 submitters: Uncertain significance (2). Last evaluated 2022-08-08.

Conditions:
Intellectual developmental disorder, autosomal recessive 13. Also called: Intellectual disability, autosomal recessive 13. Identifiers: Orphanet 88616, MedGen C2750791, MONDO:0013173, OMIM 613192.

Allele frequency attached by ClinVar (database versions not stated): gnomAD exomes 0.00012; ESP Exome Variant Server 0.00015; gnomAD 0.00011 and 0.00012; ExAC 0.00014; TOPMed 0.00011.
gnomAD v4.1: 412 of 1,613,942 alleles (0.026%); highest among the groups gnomAD compares: Non-Finnish European, 0.03%; no homozygotes.

Submissions (2):

Labcorp Genetics (formerly Invitae), Labcorp
Classification: Uncertain significance. Last evaluated: 2022-08-08. Review status: criteria provided, single submitter. Criteria: Invitae Variant Classification Sherloc (09022015). Collection method: clinical testing. Allele origin: germline.
Comment: This sequence change replaces glutamic acid, which is acidic and polar, with lysine, which is basic and polar, at codon 983 of the TRAPPC9 protein (p.Glu983Lys). This variant is present in population databases (rs138928835, gnomAD 0.02%). This variant has not been reported in the literature in individuals affected with TRAPPC9-related conditions. ClinVar contains an entry for this variant (Variation ID: 362072). Algorithms developed to predict the effect of missense changes on protein structure and function are either unavailable or do not agree on the potential impact of this missense change (SIFT: "Not Available"; PolyPhen-2: "Probably Damaging"; Align-GVGD: "Not Available"). In summary, the available evidence is currently insufficient to determine the role of this variant in disease. Therefore, it has been classified as a Variant of Uncertain Significance.

Baylor Genetics
Classification: Uncertain significance for Intellectual developmental disorder, autosomal recessive 13. Last evaluated: 2018-09-14. Review status: criteria provided, single submitter. Criteria: ACMG Guidelines, 2015. Collection method: clinical testing. Allele origin: unknown. Affected: yes.
Comment: This variant was determined to be of uncertain significance according to ACMG Guidelines, 2015 [PMID:25741868].